The following is an entry in ClinVar:

ClinVar aggregate classification (germline): Uncertain significance. Review status: criteria provided, multiple submitters, no conflicts (2 of 4 stars). 2 submissions from 2 submitters: Uncertain significance (2). Last evaluated 2026-09-15.

Conditions:
UGT1A1-related disorder. Also called: UGT1A1-related disorders; UGT1A1-related condition.

Allele frequency attached by ClinVar (database versions not stated): gnomAD exomes below 0.00001 and 0.00001; ExAC 0.00001; gnomAD 0.00002; TOPMed 0.00003.
gnomAD v4.1: 6 of 1,606,676 alleles (0.00037%); highest among the groups gnomAD compares: Admixed American, 0.0033%; no homozygotes.

Submissions (2):

PreventionGenetics, part of Exact Sciences
Classification: Uncertain significance for UGT1A1-related condition. Last evaluated: 2026-09-15. Review status: criteria provided, single submitter. Criteria: ACMG Guidelines, 2015. Collection method: clinical testing. Allele origin: germline.
Comment: The UGT1A1 c.-50A>G variant is located in the 5' untranslated region. The common allele in the general population is A(TA)6TAA; this variant interrupts the TA repeats within this region. Previous studies have shown that an extra TA repeat in this motif (i.e., c.-41_-40dup) results in reduced expression of bilirubin UDP-glucuronosyltransferase 1 and subsequently increased serum bilirubin levels therefore the variant with the extra TA repeat is frequently associated with hyperbilirubinemia (see, for example, Bosma et al. 1995. PubMed ID: 7565971) however, the impact of TA interruption is not currently known. This variant is reported in 0.0071% of alleles in individuals of African descent in gnomAD. At this time, the clinical significance of this variant is uncertain due to the absence of conclusive functional and genetic evidence.

Labcorp Genetics (formerly Invitae), Labcorp
Classification: Uncertain significance. Last evaluated: 2022-03-22. Review status: criteria provided, single submitter. Criteria: Invitae Variant Classification Sherloc (09022015). Collection method: clinical testing. Allele origin: germline.
Comment: In summary, the available evidence is currently insufficient to determine the role of this variant in disease. Therefore, it has been classified as a Variant of Uncertain Significance. This variant has not been reported in the literature in individuals affected with UGT1A1-related conditions. This variant is present in population databases (rs767607575, gnomAD 0.007%). This variant occurs in a non-coding region of the UGT1A1 gene. It does not change the encoded amino acid sequence of the UGT1A1 protein.

NC_000002.12:g.233760238A>G

Genes: UGT1A1 (UDP glucuronosyltransferase family 1 member A1; plus strand), UGT1A10 (UDP glucuronosyltransferase family 1 member A10; plus strand), UGT1A3 (UDP glucuronosyltransferase family 1 member A3; plus strand), UGT1A (UDP glucuronosyltransferase family 1 member A complex locus; plus strand), UGT1A4 (UDP glucuronosyltransferase family 1 member A4; plus strand) and 5 more. Cytogenetic location: 2q37.1.
Variant type: single nucleotide variant.
Molecular consequence: intron variant (on NM_019076.5).
Genome position: GRCh38 VCF-style: chr2-233760238-A-G. GRCh37 (hg19) VCF-style: chr2-234668884-A-G.
Other names: c.856-6796A>G (NM_019076.5, NM_019075.4, NM_021027.3 and 1 more transcripts); c.61-6796A>G (NM_205862.3); c.862-6796A>G (NM_001072.4); c.868-6796A>G (NM_019078.2, NM_007120.3, NM_019093.4).
Identifiers: ClinVar variation 1425048 (VCV001425048.5), dbSNP rs767607575, ClinGen allele CA2179745.